The following is an entry in ClinVar:

NM_014908.4(DOLK):c.767C>T (p.Ser256Phe)

Gene: DOLK (dolichol kinase; minus strand). Cytogenetic location: 9q34.11.
Variant type: single nucleotide variant.
Coding change: c.767C>T on transcript NM_014908.4 (MANE Select); coding-DNA position 767, C replaced by T.
Protein change: p.Ser256Phe; replaces serine 256 with phenylalanine.
Molecular consequence: missense variant.
Genome position (GRCh38, 1-based): chr9:128,946,537, G>A on the plus strand (C>T on the coding strand, the complement: DOLK is on the minus strand). VCF-style: chr9-128946537-G-A. GRCh37 (hg19) VCF-style: chr9-131708816-G-A.
Other names: short protein forms S256F.
Identifiers: ClinVar variation 464204 (VCV000464204.7), dbSNP rs1186154711, ClinGen allele CA375123017.

ClinVar aggregate classification (germline): Uncertain significance (1 of 4 stars; one submission).

Conditions:
DK1-congenital disorder of glycosylation. Also called: CONGENITAL DISORDER OF GLYCOSYLATION, TYPE Im; CDG Im; DK1 DEFICIENCY; DOLICHOL KINASE DEFICIENCY; DOLK-congenital disorder of glycosylation; Carbohydrate deficient glycoprotein syndrome type 1m. Identifiers: Orphanet 91131, MedGen C1835849, MONDO:0012556, OMIM 610768.

Allele frequency attached by ClinVar (database versions not stated): TOPMed below 0.00001; gnomAD 0.00001.

Submission:

Labcorp Genetics (formerly Invitae), Labcorp
Classification: Uncertain significance for DK1-congenital disorder of glycosylation. Last evaluated: 2022-11-08. Review status: criteria provided, single submitter. Criteria: Invitae Variant Classification Sherloc (09022015). Collection method: clinical testing. Allele origin: germline.
Comment: In summary, the available evidence is currently insufficient to determine the role of this variant in disease. Therefore, it has been classified as a Variant of Uncertain Significance. Advanced modeling of protein sequence and biophysical properties (such as structural, functional, and spatial information, amino acid conservation, physicochemical variation, residue mobility, and thermodynamic stability) performed at Invitae indicates that this missense variant is expected to disrupt DOLK protein function. ClinVar contains an entry for this variant (Variation ID: 464204). This variant has not been reported in the literature in individuals affected with DOLK-related conditions. This variant is not present in population databases (gnomAD no frequency). This sequence change replaces serine, which is neutral and polar, with phenylalanine, which is neutral and non-polar, at codon 256 of the DOLK protein (p.Ser256Phe).